The following is an entry in ClinVar:

NM_020971.3(SPTBN4):c.7176C>T (p.Gly2392=)

Genes: SPTBN4 (spectrin beta, non-erythrocytic 4; plus strand), LOC130064467 (ATAC-STARR-seq lymphoblastoid silent region 10632; plus strand). Cytogenetic location: 19q13.2.
Variant type: single nucleotide variant.
Coding change: c.7176C>T on transcript NM_020971.3 (MANE Select); coding-DNA position 7176, C replaced by T.
Protein change: p.Gly2392=; no amino-acid change (glycine 2392 retained).
Molecular consequence: synonymous variant.
Genome position (GRCh38, 1-based): chr19:40,570,585, C>T. VCF-style: chr19-40570585-C-T. GRCh37 (hg19) VCF-style: chr19-41076491-C-T.
Identifiers: ClinVar variation 4084213 (VCV004084213.8).

ClinVar aggregate classification (germline): Likely benign (1 of 4 stars; one submission).

gnomAD v4.1: 374 of 1,374,886 alleles (0.027%); highest among the groups gnomAD compares: African/African-American, 0.49%; no homozygotes.

Submission:

CeGaT Center for Human Genetics Tuebingen
Classification: Likely benign. Last evaluated: 2025-07-01. Review status: criteria provided, single submitter. Criteria: CeGaT Center For Human Genetics Tuebingen Variant Classification Criteria Version 2. Collection method: clinical testing. Allele origin: germline. Affected: yes. Observed: 1 variant allele.
Comment: SPTBN4: BP4, BP7